The following is an entry in ClinVar:

ClinVar aggregate classification (germline): Pathogenic (1 of 4 stars; one submission).

Conditions:
Marfan syndrome (MFS). Also called: MARFAN SYNDROME, TYPE I; FBN1-Related Marfan Syndrome; Marfan syndrome type 1; Marfan's syndrome; Marfan syndrome, classic. Identifiers: Orphanet 284963, Orphanet 558, MedGen C0024796, MONDO:0007947, OMIM 154700.
Familial thoracic aortic aneurysm and aortic dissection (TAAD). Also called: Thoracic aortic aneurysms and dissections. Identifiers: Orphanet 91387, MedGen C4707243, MONDO:0019625.

Submission:

Labcorp Genetics (formerly Invitae), Labcorp
Classification: Pathogenic for Marfan syndrome; Familial thoracic aortic aneurysm and aortic dissection. Last evaluated: 2022-01-16. Review status: criteria provided, single submitter. Criteria: Invitae Variant Classification Sherloc (09022015). Collection method: clinical testing. Allele origin: germline.
Comment: For these reasons, this variant has been classified as Pathogenic. This variant affects a cysteine residue in the EGF-like, TGFBP or hybrid motif domains of FBN1. Cysteine residues are believed to be involved in intramolecular disulfide bridges and have been shown to be important for FBN1 protein structure (PMID: 16905551, 19349279). In addition, missense substitutions affecting cysteine residues within these domains are significantly overrepresented among patients with Marfan syndrome (PMID: 16571647, 17701892). A similar copy number variant has been observed in individuals with clinical features of Marfan syndrome (PMID: 30286810; Invitae). This variant is a gross deletion of the genomic region encompassing exon(s) 50 of the FBN1 gene. This variant would be expected to be in-frame, preserving the integrity of the reading frame.

Literature cited by the submitters: PubMed 16905551; PubMed 19349279; PubMed 16571647; PubMed 17701892; PubMed 30286810.

NC_000015.9:g.(?_48733898)_(48734063_?)del

Gene: FBN1 (fibrillin 1; minus strand). Cytogenetic location: 15q21.1.
Variant type: Deletion.
Identifiers: ClinVar variation 2422439 (VCV002422439.4).